The following is an entry in ClinVar:

ClinVar aggregate classification (germline): Likely pathogenic (1 of 4 stars; one submission).

Conditions:
Inborn genetic diseases. Identifiers: MedGen C0950123, MeSH D030342.

Submission:

Ambry Genetics
Classification: Likely pathogenic for Inborn genetic diseases. Last evaluated: 2023-11-28. Review status: criteria provided, single submitter. Criteria: Ambry Variant Classification Scheme 2023. Collection method: clinical testing. Allele origin: germline.
Comment: The c.1177_1178delTG (p.C393Rfs*18) alteration, located in exon 2 (coding exon 2) of the ZIC3 gene, consists of a deletion of 2 nucleotides from position 1177 to 1178, causing a translational frameshift with a predicted alternate stop codon after 18 amino acids. This alteration occurs at the 3' terminus of the ZIC3 gene, is not expected to trigger nonsense-mediated mRNA decay, and only impacts the last 16% of the protein. However, premature stop codons are typically deleterious in nature, the impacted region is critical for protein function, and a significant portion of the protein is affected (Ambry internal data). This variant was not reported in population-based cohorts in the Genome Aggregation Database (gnomAD). Based on internal structural analysis, C393RfsTer18 disrupts a functionally important region of ZIC3, including multiple structural and functional motifs (Iuchi, 2001; Zhu, 2007; Ahmed, 2020). Based on the available evidence, this alteration is classified as likely pathogenic.

Literature cited by the submitters: PubMed 11361095; PubMed 17468179; PubMed 32753700.

NM_003413.4(ZIC3):c.1177_1178del (p.Cys393fs)

Gene: ZIC3 (Zic family member 3; plus strand). Cytogenetic location: Xq26.3.
Variant type: Microsatellite.
Coding change: c.1177_1178del on transcript NM_003413.4 (MANE Select); coding-DNA positions 1177 to 1178, 2 bases deleted (TG; older notation c.1177_1178delTG).
Protein change: p.Cys393fs; shifts the reading frame from cysteine 393.
Molecular consequence: frameshift variant.
Genome position (GRCh38, 1-based): chrX:137,569,018-137,569,019, TG deleted; deleting any 2 consecutive bases within chrX:137,569,015-137,569,019 gives the same sequence; the c. name uses the placement nearest the transcript's 3' end. VCF-style (leftmost placement, unchanged base first): chrX-137569014-AGT-A. GRCh37 (hg19) VCF-style: chrX-136651173-AGT-A.
Other names: c.1177_1178del, p.Cys393fs (NM_001330661.1); short protein forms C393fs.
Identifiers: ClinVar variation 3193563 (VCV003193563.1), dbSNP rs2521155029, ClinGen allele CA2825002928.